The following is an entry in ClinVar:

NM_015909.4(NBAS):c.3818-7C>G

Gene: NBAS (NBAS subunit of NRZ tethering complex; minus strand). Cytogenetic location: 2p24.3.
Variant type: single nucleotide variant.
Coding change: c.3818-7C>G on transcript NM_015909.4 (MANE Select); 7 bases into the intron before coding-DNA position 3818, C replaced by G.
Molecular consequence: intron variant.
Genome position (GRCh38, 1-based): chr2:15,356,423, G>C on the plus strand (C>G on the coding strand, the complement: NBAS is on the minus strand). VCF-style: chr2-15356423-G-C. GRCh37 (hg19) VCF-style: chr2-15496547-G-C.
Identifiers: ClinVar variation 2200090 (VCV002200090.1), dbSNP rs981255037, ClinGen allele CA42625157.

ClinVar aggregate classification (germline): Uncertain significance (1 of 4 stars; one submission).

Allele frequency attached by ClinVar (database versions not stated): TOPMed 0.00001; gnomAD 0.00004.
gnomAD v4.1: 6 of 1,604,040 alleles (0.00037%); highest among the groups gnomAD compares: African/African-American, 0.008%; no homozygotes.

Submission:

Labcorp Genetics (formerly Invitae), Labcorp
Classification: Uncertain significance. Last evaluated: 2022-08-22. Review status: criteria provided, single submitter. Criteria: Invitae Variant Classification Sherloc (09022015). Collection method: clinical testing. Allele origin: germline.
Comment: This sequence change falls in intron 32 of the NBAS gene. It does not directly change the encoded amino acid sequence of the NBAS protein. This variant is present in population databases (no rsID available, gnomAD 0.01%). This variant has not been reported in the literature in individuals affected with NBAS-related conditions. Algorithms developed to predict the effect of sequence changes on RNA splicing suggest that this variant may create or strengthen a splice site. In summary, the available evidence is currently insufficient to determine the role of this variant in disease. Therefore, it has been classified as a Variant of Uncertain Significance.